The following is an entry in ClinVar:

NM_000780.4(CYP7A1):c.1304T>C (p.Met435Thr)

Gene: CYP7A1 (cytochrome P450 family 7 subfamily A member 1; minus strand). Cytogenetic location: 8q12.1.
Variant type: single nucleotide variant.
Coding change: c.1304T>C on transcript NM_000780.4 (MANE Select); coding-DNA position 1304, T replaced by C.
Protein change: p.Met435Thr; replaces methionine 435 with threonine.
Molecular consequence: missense variant.
Genome position (GRCh38, 1-based): chr8:58,491,686, A>G on the plus strand (T>C on the coding strand, the complement: CYP7A1 is on the minus strand). VCF-style: chr8-58491686-A-G. GRCh37 (hg19) VCF-style: chr8-59404245-A-G.
Other names: short protein forms M435T.
Identifiers: ClinVar variation 2525364 (VCV002525364.6), dbSNP rs201341987, ClinGen allele CA4756573.
Genomic context (GRCh38, chr8:58,491,686, plus strand): 5'-TTGATTTCGTGGATAGCGAACAATCTTCCAGGACATATTGTAGCTCCCGATCCAAAGGGC[A>G]TGTAGTAATACTTTAACTTGAGTCCATTACAATAGAAGGTAGTCTTTGTCTTCCCGTTTT-3'
Protein context (NP_000771.2, residues 425-445): CNGLKLKYYY[Met435Thr]PFGSGATICP

ClinVar aggregate classification (germline): Uncertain significance. Review status: criteria provided, multiple submitters, no conflicts (2 of 4 stars). 2 submissions from 2 submitters: Uncertain significance (2). Last evaluated 2025-12-03.

Allele frequency attached by ClinVar (database versions not stated): 1000 Genomes Project 0.00040; gnomAD exomes 0.00002; TOPMed 0.00009; gnomAD 0.00003; ExAC 0.00004; 1000 Genomes Project 30x 0.00047.
gnomAD v4.1: 37 of 1,613,894 alleles (0.0023%); highest among the groups gnomAD compares: East Asian, 0.053%; no homozygotes.

Submissions (2):

Labcorp Genetics (formerly Invitae), Labcorp
Classification: Uncertain significance. Last evaluated: 2025-12-03. Review status: criteria provided, single submitter. Criteria: Invitae Variant Classification Sherloc (09022015). Collection method: clinical testing. Allele origin: germline.
Comment: This sequence change replaces methionine, which is neutral and non-polar, with threonine, which is neutral and polar, at codon 435 of the CYP7A1 protein (p.Met435Thr). This variant is present in population databases (rs201341987, gnomAD 0.02%). This variant has not been reported in the literature in individuals affected with CYP7A1-related conditions. ClinVar contains an entry for this variant (Variation ID: 2525364). Invitae Evidence Modeling of protein sequence and biophysical properties (such as structural, functional, and spatial information, amino acid conservation, physicochemical variation, residue mobility, and thermodynamic stability) indicates that this missense variant is expected to disrupt CYP7A1 protein function with a positive predictive value of 80%. In summary, the available evidence is currently insufficient to determine the role of this variant in disease. Therefore, it has been classified as a Variant of Uncertain Significance.

Ambry Genetics
Classification: Uncertain significance. Last evaluated: 2024-05-06. Review status: criteria provided, single submitter. Criteria: Ambry Variant Classification Scheme 2023. Collection method: clinical testing. Allele origin: germline.
Comment: Does not currently meet published gene-disease clinical validity criteria Based on insufficient or conflicting evidence, the clinical significance of this alteration remains unclear.

Literature cited by the submitters: PubMed 28106320 (cited by Ambry Genetics).